The following is an entry in ClinVar:

NM_014845.6(FIG4):c.1775A>G (p.Asn592Ser)

Gene: FIG4 (FIG4 phosphoinositide 5-phosphatase; plus strand). Cytogenetic location: 6q21.
Variant type: single nucleotide variant.
Coding change: c.1775A>G on transcript NM_014845.6 (MANE Select); coding-DNA position 1775, A replaced by G.
Protein change: p.Asn592Ser; replaces asparagine 592 with serine.
Molecular consequence: missense variant.
Genome position (GRCh38, 1-based): chr6:109,776,946, A>G. VCF-style: chr6-109776946-A-G. GRCh37 (hg19) VCF-style: chr6-110098149-A-G.
Other names: short protein forms N592S.
Identifiers: ClinVar variation 1779858 (VCV001779858.2), dbSNP rs1777637424, ClinGen allele CA365229960.

ClinVar aggregate classification (germline): Uncertain significance (1 of 4 stars; one submission).

Conditions:
Inborn genetic diseases. Identifiers: MedGen C0950123, MeSH D030342.

Allele frequency attached by ClinVar (database versions not stated): TOPMed below 0.00001.

Submission:

Ambry Genetics
Classification: Uncertain significance for Inborn genetic diseases. Last evaluated: 2022-04-24. Review status: criteria provided, single submitter. Criteria: Ambry Variant Classification Scheme 2023. Collection method: clinical testing. Allele origin: germline.
Comment: The p.N592S variant (also known as c.1775A>G), located in coding exon 16 of the FIG4 gene, results from an A to G substitution at nucleotide position 1775. The asparagine at codon 592 is replaced by serine, an amino acid with highly similar properties. This amino acid position is conserved. In addition, this alteration is predicted to be tolerated by in silico analysis. Since supporting evidence is limited at this time, the clinical significance of this alteration remains unclear.